The following is an entry in ClinVar:

ClinVar aggregate classification (germline): Likely benign (0 of 4 stars; one submission).

Conditions:
TP53I3-related disorder. Also called: TP53I3-related condition.

Submission:

PreventionGenetics, part of Exact Sciences
Classification: Likely benign for TP53I3-related condition. Last evaluated: 2024-01-18. Review status: no assertion criteria provided. Collection method: clinical testing. Allele origin: germline.
Comment: This variant is classified as likely benign based on ACMG/AMP sequence variant interpretation guidelines (Richards et al. 2015 PMID: 25741868, with internal and published modifications).

NM_004881.5(TP53I3):c.732T>C (p.Gly244=)

Genes: FAM228B (family with sequence similarity 228 member B; plus strand), TP53I3 (tumor protein p53 inducible protein 3; minus strand). Cytogenetic location: 2p23.3.
Variant type: single nucleotide variant.
Coding change: c.732T>C on transcript NM_004881.5 (MANE Select); coding-DNA position 732, T replaced by C.
Protein change: p.Gly244=; no amino-acid change (glycine 244 retained).
Molecular consequence: synonymous variant. On other transcripts: intron variant (2).
Genome position (GRCh38, 1-based): chr2:24,079,528, A>G on the plus strand (T>C on the coding strand, the complement: TP53I3 is on the minus strand). VCF-style: chr2-24079528-A-G. GRCh37 (hg19) VCF-style: chr2-24302398-A-G.
Other names: c.732T>C, p.Gly244= (NM_147184.4); c.-289-1348A>G (NM_001291328.2); c.619+1291T>C (NM_001206802.2).
Identifiers: ClinVar variation 3030592 (VCV003030592.2), dbSNP rs2470198703, ClinGen allele CA425149794.